The following is an entry in ClinVar:

ClinVar aggregate classification (germline): Uncertain significance (1 of 4 stars; one submission).

Conditions:
Familial X-linked hypophosphatemic vitamin D refractory rickets (XLHRD). Also called: X-Linked Hypophosphatemia; HYPOPHOSPHATEMIC VITAMIN D-RESISTANT RICKETS; Hypophosphatemic Rickets, X-Linked Dominant; Hypophosphatemia, vitamin D-resistant rickets; Vitamin D-resistant rickets, X-linked. Identifiers: Orphanet 89936, MedGen C0733682, MONDO:0010619, OMIM 307800.

Submission:

Neuberg Centre For Genomic Medicine, NCGM
Classification: Uncertain significance for Familial X-linked hypophosphatemic vitamin D refractory rickets. Last evaluated: 2023-02-14. Review status: criteria provided, single submitter. Criteria: ACMG Guidelines, 2015. Collection method: clinical testing. Allele origin: germline. Inheritance: X-linked dominant inheritance. Affected: yes.
Comment: X-linked dominant hypophosphatemic rickets is caused by mutation in the phosphate-regulating endopeptidase gene (PHEX) on chromosome Xp22. The phenotypic spectrum of X-linked hypophosphatemia (X-linked inheritanceH) ranges from isolated hypophosphatemia to severe lower-extremity bowing. X-linked inheritanceH frequently manifests in the first two years of life when lower-extremity bowing becomes evident with the onset of weight bearing; however, it sometimes is not manifest until adulthood, as previously unevaluated short stature. In adults, enthesopathy (calcification of the tendons, ligaments, and joint capsules) associated with joint pain and impaired mobility may be the initial presenting complaint. Persons with X-linked inheritanceH are prone to spontaneous dental abscesses; sensorineural hearing loss has also been reported (Zheng, Bixia, et al. 2020).

NM_000444.6(PHEX):c.1133T>G (p.Leu378Arg)

Gene: PHEX (phosphate regulating endopeptidase X-linked; plus strand). Cytogenetic location: Xp22.11.
Variant type: single nucleotide variant.
Coding change: c.1133T>G on transcript NM_000444.6 (MANE Select); coding-DNA position 1133, T replaced by G.
Protein change: p.Leu378Arg; replaces leucine 378 with arginine.
Molecular consequence: missense variant.
Genome position (GRCh38, 1-based): chrX:22,111,520, T>G. VCF-style: chrX-22111520-T-G. GRCh37 (hg19) VCF-style: chrX-22129638-T-G.
Other names: c.1133T>G, p.Leu378Arg (NM_001282754.2); short protein forms L378R.
Identifiers: ClinVar variation 2671769 (VCV002671769.1), dbSNP rs1930965902, ClinGen allele CA412573195.
Genomic context (GRCh38, chrX:22,111,520, plus strand): 5'-TTAACAGGACCATTGCCAACTATTTGGTGTGGAGAATGGTTTATTCCAGAATTCCAAACC[T>G]TAGCAGGCGCTTTCAGTATAGATGGCTGGAATTCTCAAGGGTAAGTTTAAGAAGATTGCA-3'
Protein context (NP_000435.3, residues 368-388): WRMVYSRIPN[Leu378Arg]SRRFQYRWLE